The following is an entry in ClinVar:

ClinVar aggregate classification (germline): Benign/Likely benign. Review status: criteria provided, multiple submitters, no conflicts (2 of 4 stars). 10 submissions from 10 submitters: Benign (5); Likely benign (5). Last evaluated 2026-07-01.

Conditions:
Lymphoproliferative syndrome 1 (LPFS1). Identifiers: Orphanet 238505, Orphanet 538963, MedGen C3552634, MONDO:0013081, OMIM 613011.
Autoinflammatory syndrome. Identifiers: Orphanet 93665, MedGen C3890737, MONDO:0019751.

Allele frequency attached by ClinVar (database versions not stated): 1000 Genomes Project 30x 0.00156; TOPMed 0.00163; 1000 Genomes Project 0.00180; ESP Exome Variant Server 0.00192; gnomAD 0.00334 and 0.00337; ExAC 0.00342; gnomAD exomes 0.00402.
gnomAD v4.1: 4,466 of 1,613,900 alleles (0.28%); highest among the groups gnomAD compares: South Asian, 0.36%; 37 homozygotes.

Submissions (10):

CeGaT Center for Human Genetics Tuebingen
Classification: Likely benign. Last evaluated: 2026-07-01. Review status: criteria provided, single submitter. Criteria: CeGaT Center For Human Genetics Tuebingen Variant Classification Criteria Version 2. Collection method: clinical testing. Allele origin: germline. Affected: yes. Observed: 15 variant alleles.
Comment: ITK: BP4, BS2

Labcorp Genetics (formerly Invitae), Labcorp
Classification: Benign for Lymphoproliferative syndrome 1. Last evaluated: 2026-02-03. Review status: criteria provided, single submitter. Criteria: Invitae Variant Classification Sherloc (09022015). Collection method: clinical testing. Allele origin: germline.

Blueprint Genetics
Classification: Likely benign. Last evaluated: 2024-11-22. Review status: criteria provided, single submitter. Criteria: ACMG Guidelines, 2015. Collection method: clinical testing. Allele origin: germline.

Mayo Clinic Laboratories, Mayo Clinic
Classification: Benign. Last evaluated: 2024-11-04. Review status: criteria provided, single submitter. Criteria: ACMG Guidelines, 2015. Collection method: clinical testing. Allele origin: germline. Observed: 3 variant alleles.
Comment: BS1, BS2, BP4

Genetic Services Laboratory, University of Chicago
Classification: Benign. Last evaluated: 2021-07-06. Review status: criteria provided, single submitter. Criteria: ACMG Guidelines, 2015. Collection method: clinical testing. Allele origin: germline. Affected: no.

Genome Diagnostics Laboratory, The Hospital for Sick Children
Classification: Benign for Autoinflammatory syndrome. Last evaluated: 2021-01-04. Review status: criteria provided, single submitter. Criteria: ACMG Guidelines, 2015. Collection method: clinical testing. Allele origin: germline. Affected: yes.

Illumina Laboratory Services, Illumina
Classification: Benign for Lymphoproliferative syndrome 1. Last evaluated: 2017-04-27. Review status: criteria provided, single submitter. Criteria: ICSL Variant Classification Criteria 13 December 2019. Collection method: clinical testing. Allele origin: germline.
Comment: This variant was observed as part of a predisposition screen in an ostensibly healthy population. A literature search was performed for the gene, cDNA change, and amino acid change (where applicable). Publications were found based on this search. The evidence from the literature, in combination with allele frequency data from public databases where available, was sufficient to rule this variant out of causing disease. Therefore, this variant is classified as benign.

Clinical Genetics DNA and cytogenetics Diagnostics Lab, Erasmus MC, Erasmus Medical Center
Classification: Likely benign for Lymphoproliferative syndrome 1. Last evaluated: 2015-12-10. Review status: criteria provided, single submitter. Criteria: ACGS Guidelines, 2013. Collection method: clinical testing. Allele origin: germline. Affected: yes. Study: VKGL Data-share Consensus.

Genome Diagnostics Laboratory, University Medical Center Utrecht
Classification: Likely benign for Lymphoproliferative syndrome 1. Last evaluated: 2014-10-09. Review status: criteria provided, single submitter. Criteria: ACGS Guidelines, 2013. Collection method: clinical testing. Allele origin: germline. Affected: yes. Study: VKGL Data-share Consensus.

Breakthrough Genomics
Classification: Likely benign. Review status: criteria provided, single submitter. Criteria: ACMG Guidelines, 2015. Collection method: not provided. Allele origin: germline. Inheritance: Autosomal recessive inheritance. Affected: yes.

Literature cited by the submitters: PubMed 22289921 (cited by Illumina Laboratory Services, Illumina).

NM_005546.4(ITK):c.1759G>A (p.Val587Ile)

Gene: ITK (IL2 inducible T cell kinase; plus strand). Cytogenetic location: 5q33.3.
Variant type: single nucleotide variant.
Coding change: c.1759G>A on transcript NM_005546.4 (MANE Select); coding-DNA position 1759, G replaced by A.
Protein change: p.Val587Ile; replaces valine 587 with isoleucine.
Molecular consequence: missense variant.
Genome position (GRCh38, 1-based): chr5:157,248,975, G>A. VCF-style: chr5-157248975-G-A. GRCh37 (hg19) VCF-style: chr5-156675985-G-A.
Other names: p.Val587Ile; short protein forms V587I.
Identifiers: ClinVar variation 522219 (VCV000522219.63), dbSNP rs56005928, ClinGen allele CA3533186.